The following is an entry in ClinVar:

NM_001145809.2(MYH14):c.3566G>A (p.Arg1189His)

Gene: MYH14 (myosin heavy chain 14; plus strand). Cytogenetic location: 19q13.33.
Variant type: single nucleotide variant.
Coding change: c.3566G>A on transcript NM_001145809.2 (MANE Select); coding-DNA position 3566, G replaced by A.
Protein change: p.Arg1189His; replaces arginine 1189 with histidine.
Molecular consequence: missense variant.
Genome position (GRCh38, 1-based): chr19:50,276,089, G>A. VCF-style: chr19-50276089-G-A. GRCh37 (hg19) VCF-style: chr19-50779346-G-A.
Other names: c.3443G>A (NM_024729.3); c.3467G>A, p.Arg1156His (NM_001077186.2); c.3443G>A, p.Arg1148His (NM_024729.4); short protein forms R1156H, R1148H, R1189H.
Identifiers: ClinVar variation 2888540 (VCV002888540.5), dbSNP rs1162456665, ClinGen allele CA406954150.

ClinVar aggregate classification (germline): Uncertain significance. Review status: criteria provided, multiple submitters, no conflicts (2 of 4 stars). 3 submissions from 3 submitters: Uncertain significance (3). Last evaluated 2024-09-24.

Conditions:
Inborn genetic diseases. Identifiers: MedGen C0950123, MeSH D030342.

Allele frequency attached by ClinVar (database versions not stated): gnomAD 0.00002.
gnomAD v4.1: 62 of 1,610,052 alleles (0.0039%); highest among the groups gnomAD compares: Non-Finnish European, 0.0048%; no homozygotes.

Submissions (3):

Women's Health and Genetics/Laboratory Corporation of America, LabCorp
Classification: Uncertain significance. Last evaluated: 2024-09-24. Review status: criteria provided, single submitter. Criteria: LabCorp Variant Classification Summary - May 2015. Collection method: clinical testing. Allele origin: germline.
Comment: Variant summary: MYH14 c.3443G>A (p.Arg1148His) results in a non-conservative amino acid change located in the Myosin tail domain (IPR002928) of the encoded protein sequence. Five of five in-silico tools predict a damaging effect of the variant on protein function. The variant allele was found at a frequency of 2.9e-05 in 238312 control chromosomes, predominantly at a frequency of 5.6e-05 within the Non-Finnish European subpopulation in the gnomAD database. The available data on variant occurrences in the general population are insufficient to allow any conclusion about variant significance. To our knowledge, no occurrence of c.3443G>A in individuals affected with Deafness, Autosomal Dominant 4 and no experimental evidence demonstrating its impact on protein function have been reported. ClinVar contains an entry for this variant (Variation ID: 2888540). Based on the evidence outlined above, the variant was classified as uncertain significance.

Ambry Genetics
Classification: Uncertain significance for Inborn genetic diseases. Last evaluated: 2024-08-21. Review status: criteria provided, single submitter. Criteria: Ambry Variant Classification Scheme 2023. Collection method: clinical testing. Allele origin: germline.

Labcorp Genetics (formerly Invitae), Labcorp
Classification: Uncertain significance. Last evaluated: 2023-06-17. Review status: criteria provided, single submitter. Criteria: Invitae Variant Classification Sherloc (09022015). Collection method: clinical testing. Allele origin: germline.
Comment: In summary, the available evidence is currently insufficient to determine the role of this variant in disease. Therefore, it has been classified as a Variant of Uncertain Significance. Advanced modeling of protein sequence and biophysical properties (such as structural, functional, and spatial information, amino acid conservation, physicochemical variation, residue mobility, and thermodynamic stability) performed at Invitae indicates that this missense variant is not expected to disrupt MYH14 protein function. This variant has not been reported in the literature in individuals affected with MYH14-related conditions. This variant is present in population databases (no rsID available, gnomAD 0.005%). This sequence change replaces arginine, which is basic and polar, with histidine, which is basic and polar, at codon 1148 of the MYH14 protein (p.Arg1148His).